The following is an entry in ClinVar:

NM_001322934.2(NFKB2):c.146G>C (p.Arg49Thr)

Gene: NFKB2 (nuclear factor kappa B subunit 2; plus strand). Cytogenetic location: 10q24.32.
Variant type: single nucleotide variant.
Coding change: c.146G>C on transcript NM_001322934.2 (MANE Select); coding-DNA position 146, G replaced by C.
Protein change: p.Arg49Thr; replaces arginine 49 with threonine.
Molecular consequence: missense variant.
Genome position (GRCh38, 1-based): chr10:102,396,726, G>C. VCF-style: chr10-102396726-G-C. GRCh37 (hg19) VCF-style: chr10-104156483-G-C.
Other names: c.146G>C, p.Arg49Thr (NM_001077493.1, NM_001077494.3, NM_001261403.3 and 3 more transcripts); short protein forms R49T.
Identifiers: ClinVar variation 1706265 (VCV001706265.8), dbSNP rs2544577178, ClinGen allele CA377896026.
Genomic context (GRCh38, chr10:102,396,726, plus strand): 5'-CACTGCTGGCCTGGGTGGTCTTCCCTGATCACAATGCTACTATGCCCTTGGACCTTCAGA[G>C]AGGCTTCCGATTTCGATATGGCTGTGAAGGCCCCTCCCATGGAGGACTGCCCGGTGCCTC-3'
Protein context (NP_001309863.1, residues 39-59): YLVIVEQPKQ[Arg49Thr]GFRFRYGCEG

ClinVar aggregate classification (germline): Uncertain significance. Review status: criteria provided, multiple submitters, no conflicts (2 of 4 stars). 3 submissions from 3 submitters: Uncertain significance (2). 1 of the submissions does not count toward it. Last evaluated 2023-01-12.

Conditions:
NFKB2-related disorder. Also called: NFKB2-related condition.
Immunodeficiency, common variable, 10. Also called: IMMUNODEFICIENCY, COMMON VARIABLE, WITH CENTRAL ADRENAL INSUFFICIENCY; DEFICIT IN ANTERIOR PITUITARY FUNCTION AND VARIABLE IMMUNODEFICIENCY. Identifiers: MedGen C3809991, MONDO:0014260, OMIM 615577.

Allele frequency attached by ClinVar (database versions not stated): gnomAD exomes below 0.00001.
gnomAD v4.1: 1 of 1,611,632 alleles (0.000062%); highest among the groups gnomAD compares: Non-Finnish European, 0.000085%; no homozygotes.

Submissions (3):

Labcorp Genetics (formerly Invitae), Labcorp
Classification: Uncertain significance for Immunodeficiency, common variable, 10. Last evaluated: 2023-01-12. Review status: criteria provided, single submitter. Criteria: Invitae Variant Classification Sherloc (09022015). Collection method: clinical testing. Allele origin: germline.
Comment: This sequence change replaces arginine, which is basic and polar, with threonine, which is neutral and polar, at codon 49 of the NFKB2 protein (p.Arg49Thr). In summary, the available evidence is currently insufficient to determine the role of this variant in disease. Therefore, it has been classified as a Variant of Uncertain Significance. Algorithms developed to predict the effect of sequence changes on RNA splicing suggest that this variant may disrupt the consensus splice site. Algorithms developed to predict the effect of missense changes on protein structure and function are either unavailable or do not agree on the potential impact of this missense change (SIFT: "Deleterious"; PolyPhen-2: "Probably Damaging"; Align-GVGD: "Class C0"). ClinVar contains an entry for this variant (Variation ID: 1706265). This variant has not been reported in the literature in individuals affected with NFKB2-related conditions. This variant is not present in population databases (gnomAD no frequency).

GeneDx
Classification: Uncertain significance. Last evaluated: 2022-03-17. Review status: criteria provided, single submitter. Criteria: GeneDx Variant Classification Process June 2021. Collection method: clinical testing. Allele origin: germline. Affected: yes.
Comment: Not observed at significant frequency in large population cohorts (gnomAD); In silico analysis supports that this missense variant has a deleterious effect on protein structure/function; Has not been previously published as pathogenic or benign to our knowledge

PreventionGenetics, part of Exact Sciences
Classification: Uncertain significance for NFKB2-related condition. Last evaluated: 2024-08-02. Review status: no assertion criteria provided. Collection method: clinical testing. Allele origin: germline. Not counted in ClinVar's aggregate classification.
Comment: The NFKB2 c.146G>C variant is predicted to result in the amino acid substitution p.Arg49Thr. To our knowledge, this variant has not been reported in the literature or in a large population database, indicating this variant is rare. At this time, the clinical significance of this variant is uncertain due to the absence of conclusive functional and genetic evidence.